The following is an entry in ClinVar:

ClinVar aggregate classification (germline): Benign/Likely benign. Review status: criteria provided, multiple submitters, no conflicts (2 of 4 stars). 5 submissions from 5 submitters: Benign (3); Likely benign (1). 1 of the submissions does not count toward it. Last evaluated 2026-07-01.

Conditions:
HAVCR2-related disorder. Also called: HAVCR2-related condition.

Allele frequency attached by ClinVar (database versions not stated): ESP Exome Variant Server 0.01115; gnomAD exomes 0.01154 and 0.00808; 1000 Genomes Project 0.00459; 1000 Genomes Project 30x 0.00531; gnomAD 0.00765 and 0.00771; ExAC 0.00845; TOPMed 0.00852.
gnomAD v4.1: 17,931 of 1,613,956 alleles (1.1%); highest among the groups gnomAD compares: Non-Finnish European, 1.3%; 131 homozygotes.

Submissions (5):

CeGaT Center for Human Genetics Tuebingen
Classification: Benign. Last evaluated: 2026-07-01. Review status: criteria provided, single submitter. Criteria: CeGaT Center For Human Genetics Tuebingen Variant Classification Criteria Version 2. Collection method: clinical testing. Allele origin: germline. Affected: yes. Observed: 25 variant alleles.
Comment: HAVCR2: BP4, BS1, BS2

Blueprint Genetics
Classification: Likely benign. Last evaluated: 2024-11-24. Review status: criteria provided, single submitter. Criteria: ACMG Guidelines, 2015. Collection method: clinical testing. Allele origin: germline.

Mayo Clinic Laboratories, Mayo Clinic
Classification: Benign. Last evaluated: 2024-03-04. Review status: criteria provided, single submitter. Criteria: ACMG Guidelines, 2015. Collection method: clinical testing. Allele origin: germline. Observed: 5 variant alleles.
Comment: BS1, BS2, BP4

Labcorp Genetics (formerly Invitae), Labcorp
Classification: Benign. Last evaluated: 2018-08-17. Review status: criteria provided, single submitter. Criteria: Invitae Variant Classification Sherloc (09022015). Collection method: clinical testing. Allele origin: germline.

PreventionGenetics, part of Exact Sciences
Classification: Benign for HAVCR2-related condition. Last evaluated: 2019-06-25. Review status: no assertion criteria provided. Collection method: clinical testing. Allele origin: germline. Not counted in ClinVar's aggregate classification.
Comment: This variant is classified as benign based on ACMG/AMP sequence variant interpretation guidelines (Richards et al. 2015 PMID: 25741868, with internal and published modifications).

NM_032782.5(HAVCR2):c.830C>T (p.Pro277Leu)

Gene: HAVCR2 (hepatitis A virus cellular receptor 2; minus strand). Cytogenetic location: 5q33.3.
Variant type: single nucleotide variant.
Coding change: c.830C>T on transcript NM_032782.5 (MANE Select); coding-DNA position 830, C replaced by T.
Protein change: p.Pro277Leu; replaces proline 277 with leucine.
Molecular consequence: missense variant.
Genome position (GRCh38, 1-based): chr5:157,087,178, G>A on the plus strand (C>T on the coding strand, the complement: HAVCR2 is on the minus strand). VCF-style: chr5-157087178-G-A. GRCh37 (hg19) VCF-style: chr5-156514189-G-A.
Other names: p.Pro277Leu; short protein forms P277L.
Identifiers: ClinVar variation 782945 (VCV000782945.37), dbSNP rs72805186, ClinGen allele CA3531768.